The following is an entry in ClinVar:

ClinVar aggregate classification (germline): Uncertain significance (1 of 4 stars; one submission).

Conditions:
GNE myopathy (NM). Also called: MYOPATHY, DISTAL, WITH OR WITHOUT RIMMED VACUOLES; IBM 2; Inclusion body myopathy autosomal recessive; Inclusion body myopathy quadriceps sparing; NONAKA DISTAL MYOPATHY; INCLUSION BODY MYOPATHY, HEREDITARY, AUTOSOMAL RECESSIVE. Identifiers: Orphanet 602, MedGen C1853926, MONDO:0011603, OMIM 605820.

gnomAD v4.1: 1 of 1,613,994 alleles (0.000062%); highest among the groups gnomAD compares: South Asian, 0.0011%; no homozygotes.

Submission:

Diagnostics Services (NGS), CSIR - Centre For Cellular And Molecular Biology
Classification: Uncertain significance for GNE myopathy. Last evaluated: 2023-04-05. Review status: criteria provided, single submitter. Criteria: ACMG Guidelines, 2015. Collection method: clinical testing. Allele origin: germline. Affected: yes. Observed: 1 variant allele, 1 homozygote.
Comment: The c.27G>C variant is not present in publicly available population databases like 1000 Genomes, ExAC, EVS, Indian Exome Database or our in-house exome database. This variant has neither been published in literature nor reported to clinical databases like ClinVar, Human Gene Mutation Database (HGMD) or OMIM, in any affected individuals. In silico pathogenicity prediction programs like SIFT, PolyPhen-2, MutationTaster2, CADD, etc predicted this variant to be likely deleterious, however these predictions were not confirmed by published functional studies. The variant has been located in a mutational hotspot region of the GNE gene.

NM_005476.7(GNE):c.27G>C (p.Lys9Asn)

Gene: GNE (glucosamine (UDP-N-acetyl)-2-epimerase/N-acetylmannosamine kinase; minus strand). Cytogenetic location: 9p13.3.
Variant type: single nucleotide variant.
Coding change: c.27G>C on transcript NM_005476.7 (MANE Select); coding-DNA position 27, G replaced by C.
Protein change: p.Lys9Asn; replaces lysine 9 with asparagine.
Molecular consequence: missense variant. On other transcripts: intron variant (3).
Genome position (GRCh38, 1-based): chr9:36,249,329, C>G on the plus strand (G>C on the coding strand, the complement: GNE is on the minus strand). VCF-style: chr9-36249329-C-G. GRCh37 (hg19) VCF-style: chr9-36249326-C-G.
Other names: c.120G>C, p.Lys40Asn (NM_001128227.3); c.27G>C, p.Lys9Asn (NM_001190383.3, NM_001374797.1); c.-13-2847G>C (NM_001190388.2, NM_001190384.3, NM_001374798.1); short protein forms K40N, K9N.
Identifiers: ClinVar variation 2499529 (VCV002499529.3), dbSNP rs2489810805, ClinGen allele CA373422161.